The following is an entry in ClinVar:

ClinVar aggregate classification (germline): Likely benign (0 of 4 stars; one submission).

Conditions:
TBX3-related disorder. Also called: TBX3-related condition.

Submission:

PreventionGenetics, part of Exact Sciences
Classification: Likely benign for TBX3-related condition. Last evaluated: 2023-12-12. Review status: no assertion criteria provided. Collection method: clinical testing. Allele origin: germline.
Comment: This variant is classified as likely benign based on ACMG/AMP sequence variant interpretation guidelines (Richards et al. 2015 PMID: 25741868, with internal and published modifications).

NM_005996.4(TBX3):c.-895TC[20]

Genes: TBX3 (T-box transcription factor 3; minus strand), TBX3-AS1 (TBX3 antisense RNA 1; plus strand). Cytogenetic location: 12q24.21.
Variant type: Microsatellite.
Coding change: c.-895TC[20] on transcript NM_005996.4 (MANE Select); 20 copies in a row of the 2-base unit TC starting at c.-895; the reference has 12 copies in a row; eight copies, 16 bases duplicated.
Molecular consequence: 5 prime UTR variant.
Genome position (GRCh38, 1-based): chr12:114,684,072-114,684,087, GAGAGAGAGAGAGAGA duplicated on the plus strand (TCTCTCTCTCTCTCTC on the coding strand, the reverse complement: TBX3 is on the minus strand); duplicating any 16 consecutive bases within chr12:114,684,072-114,684,095 gives the same sequence; the position shown is the placement nearest the transcript's 3' end. VCF-style (leftmost placement, unchanged base first): chr12-114684071-G-GGAGAGAGAGAGAGAGA. GRCh37 (hg19) VCF-style: chr12-115121876-G-GGAGAGAGAGAGAGAGA.
Other names: c.-895TC[20] (NM_016569.4).
Identifiers: ClinVar variation 3035563 (VCV003035563.2), dbSNP rs57078153, ClinGen allele CA683850890.
Genomic context (GRCh38, chr12:114,684,071, plus strand): 5'-CGCGCAGGGCAGGGAGGATTTAGAGGGGGAAAAAATGGAACAGAGGGAAAGAGAGGGAGG[G>GGAGAGAGAGAGAGAGA]GAGAGAGAGAGAGAGAGAGAGAGACGGAGTCGGAGAGGGAGGGAGCGAGAGAAAGCGAGA-3'